The following is an entry in ClinVar:

NM_016169.4(SUFU):c.811G>A (p.Ala271Thr)

Gene: SUFU (SUFU negative regulator of hedgehog signaling; plus strand). Cytogenetic location: 10q24.32.
Variant type: single nucleotide variant.
Coding change: c.811G>A on transcript NM_016169.4 (MANE Select); coding-DNA position 811, G replaced by A.
Protein change: p.Ala271Thr; replaces alanine 271 with threonine.
Molecular consequence: missense variant.
Genome position (GRCh38, 1-based): chr10:102,597,194, G>A. VCF-style: chr10-102597194-G-A. GRCh37 (hg19) VCF-style: chr10-104356951-G-A.
Other names: c.811G>A, p.Ala271Thr (NM_001178133.2); short protein forms A271T.
Identifiers: ClinVar variation 5030438 (VCV005030438.1).

ClinVar aggregate classification (germline): Uncertain significance (1 of 4 stars; one submission).

Conditions:
Hereditary cancer-predisposing syndrome. Also called: Neoplastic Syndromes, Hereditary; Tumor predisposition; Hereditary neoplastic syndrome; Hereditary Cancer Syndrome. Identifiers: Orphanet 140162, MedGen C0027672, MeSH D009386, MONDO:0015356.

Submission:

Ambry Genetics
Classification: Uncertain significance for Hereditary cancer-predisposing syndrome. Last evaluated: 2026-08-01. Review status: criteria provided, single submitter. Criteria: Ambry Variant Classification Scheme 2023. Collection method: clinical testing. Allele origin: germline.
Comment: The p.A271T variant (also known as c.811G>A), located in coding exon 7 of the SUFU gene, results from a G to A substitution at nucleotide position 811. The alanine at codon 271 is replaced by threonine, an amino acid with similar properties. This amino acid position is conserved. In addition, this alteration is predicted to be deleterious by in silico analysis. Based on the available evidence, the clinical significance of this variant remains unclear.